The following is an entry in ClinVar:

NM_001145346.2(RBMXL3):c.2997C>T (p.Asp999=)

Genes: LRCH2 (leucine rich repeats and calponin homology domain containing 2; minus strand), RBMXL3 (RBMX like 3; plus strand). Cytogenetic location: Xq23.
Variant type: single nucleotide variant.
Coding change: c.2997C>T on transcript NM_001145346.2 (MANE Select); coding-DNA position 2997, C replaced by T.
Protein change: p.Asp999=; no amino-acid change (aspartic acid 999 retained).
Molecular consequence: synonymous variant. On other transcripts: intron variant (2).
Genome position (GRCh38, 1-based): chrX:115,192,438, C>T. VCF-style: chrX-115192438-C-T. GRCh37 (hg19) VCF-style: chrX-114427001-C-T.
Other names: c.350-4068G>A (NM_001243963.2, NM_020871.4).
Identifiers: ClinVar variation 2661245 (VCV002661245.24), dbSNP rs782304143, ClinGen allele CA10496529.

ClinVar aggregate classification (germline): Likely benign (1 of 4 stars; one submission).

Allele frequency attached by ClinVar (database versions not stated): gnomAD exomes 0.00006; ExAC 0.00021; gnomAD 0.00061; TOPMed 0.00061.
gnomAD v4.1: 132 of 1,167,035 alleles (0.011%); highest among the groups gnomAD compares: African/African-American, 0.2%; no homozygotes.

Submission:

CeGaT Center for Human Genetics Tuebingen
Classification: Likely benign. Last evaluated: 2022-05-01. Review status: criteria provided, single submitter. Criteria: CeGaT Center For Human Genetics Tuebingen Variant Classification Criteria Version 2. Collection method: clinical testing. Allele origin: germline. Affected: yes. Observed: 1 variant allele.
Comment: RBMXL3: BP4, BP7